The following is an entry in ClinVar:

ClinVar aggregate classification (germline): Likely benign. Review status: criteria provided, single submitter (1 of 4 stars). 2 submissions from 2 submitters: Likely benign (1). 1 of the submissions does not count toward it. Last evaluated 2024-02-18.

Conditions:
ABCC2-related disorder. Also called: ABCC2-related condition.

Allele frequency attached by ClinVar (database versions not stated): gnomAD 0.00004; gnomAD exomes 0.00004; TOPMed 0.00015; ExAC 0.00018; 1000 Genomes Project 0.00020; 1000 Genomes Project 30x 0.00031.

Submissions (2):

Labcorp Genetics (formerly Invitae), Labcorp
Classification: Likely benign. Last evaluated: 2024-02-18. Review status: criteria provided, single submitter. Criteria: Invitae Variant Classification Sherloc (09022015). Collection method: clinical testing. Allele origin: germline.

PreventionGenetics, part of Exact Sciences
Classification: Likely benign for ABCC2-related condition. Last evaluated: 2019-06-12. Review status: no assertion criteria provided. Collection method: clinical testing. Allele origin: germline. Not counted in ClinVar's aggregate classification.
Comment: This variant is classified as likely benign based on ACMG/AMP sequence variant interpretation guidelines (Richards et al. 2015 PMID: 25741868, with internal and published modifications).

NM_000392.5(ABCC2):c.2620+3A>G

Gene: ABCC2 (ATP binding cassette subfamily C member 2; plus strand). Cytogenetic location: 10q24.2.
Variant type: single nucleotide variant.
Coding change: c.2620+3A>G on transcript NM_000392.5 (MANE Select); 3 bases into the intron after coding-DNA position 2620, A replaced by G.
Molecular consequence: intron variant.
Genome position (GRCh38, 1-based): chr10:99,819,272, A>G. VCF-style: chr10-99819272-A-G. GRCh37 (hg19) VCF-style: chr10-101579029-A-G.
Other names: c.2620+3A>G (NM_000392.4).
Identifiers: ClinVar variation 2964884 (VCV002964884.5), dbSNP rs186422499, ClinGen allele CA5643526.
Genomic context (GRCh38, chr10:99,819,272, plus strand): 5'-TTTGCTAAGAATCTGAAGACATTTCTAAGACATACAGGCCCTGAAGAGGAAGCCACAGGT[A>G]TGTAAGAAGGATTGGGACAAGATAGAACTTGGGCCATGGGTGGAATGGTAAATCAATATC-3'